The following is an entry in ClinVar:

ClinVar aggregate classification (germline): Uncertain significance. Review status: criteria provided, multiple submitters, no conflicts (2 of 4 stars). 7 submissions from 7 submitters: Uncertain significance (7). Last evaluated 2026-01-20.

Conditions:
Hereditary cancer-predisposing syndrome. Also called: Neoplastic Syndromes, Hereditary; Tumor predisposition; Hereditary Cancer Syndrome; Hereditary neoplastic syndrome. Identifiers: Orphanet 140162, MedGen C0027672, MeSH D009386, MONDO:0015356.
CHEK2-related cancer predisposition (TPDS4). Also called: CHEK2-related cancer susceptibility; TUMOR PREDISPOSITION SYNDROME 4; CANCER PREDISPOSITION SYNDROME, CHEK2-RELATED. Identifiers: Orphanet 524, MedGen C5882668, MONDO:0700271, OMIM 609265.
Hereditary breast ovarian cancer syndrome. Also called: BRCA1- and BRCA2-Associated Hereditary Breast and Ovarian Cancer; Hereditary breast and ovarian cancer syndrome; Hereditary breast and ovarian cancer; Hereditary breast and ovarian cancer syndrome (HBOC); Breast and ovarian cancer; Hereditary breast and/or ovarian cancer syndrome. Identifiers: Orphanet 145, MedGen C0677776, MeSH D061325, MONDO:0003582. Disease mechanism: loss of function.
Familial cancer of breast. Also called: BREAST CANCER, FAMILIAL; hereditary breast carcinoma; Hereditary breast cancer. Identifiers: Orphanet 227535, MedGen C0346153, MONDO:0016419, OMIM 114480. Disease mechanism: loss of function.

Allele frequency attached by ClinVar (database versions not stated): gnomAD exomes below 0.00001 and 0.00001; gnomAD 0.00001.
gnomAD v4.1: 11 of 1,541,370 alleles (0.00071%); highest among the groups gnomAD compares: East Asian, 0.023%; no homozygotes.

Submissions (7):

Labcorp Genetics (formerly Invitae), Labcorp
Classification: Uncertain significance for Familial cancer of breast. Last evaluated: 2026-01-20. Review status: criteria provided, single submitter. Criteria: Invitae Variant Classification Sherloc (09022015). Collection method: clinical testing. Allele origin: germline.
Comment: This sequence change replaces aspartic acid, which is acidic and polar, with tyrosine, which is neutral and polar, at codon 296 of the CHEK2 protein (p.Asp296Tyr). The frequency data for this variant in the population databases is considered unreliable, as metrics indicate poor data quality at this position in the gnomAD database. This missense change has been observed in individual(s) with CHEK2-related conditions as well as unaffected individuals (PMID: 30287823, 32986223, 35534218, 36243179). This variant is also known as c.1015G>T. ClinVar contains an entry for this variant (Variation ID: 232099). An algorithm developed to predict the effect of missense changes on protein structure and function (PolyPhen-2) suggests that this variant is likely to be disruptive. Studies have shown that this missense change is associated with inconclusive levels of altered splicing (PMID: 38332730; internal data). In summary, the available evidence is currently insufficient to determine the role of this variant in disease. Therefore, it has been classified as a Variant of Uncertain Significance.

Women's Health and Genetics/Laboratory Corporation of America, LabCorp
Classification: Uncertain significance. Last evaluated: 2025-04-11. Review status: criteria provided, single submitter. Criteria: LabCorp Variant Classification Summary - May 2015. Collection method: clinical testing. Allele origin: germline.
Comment: Variant summary: CHEK2 c.886G>T (p.Asp296Tyr) results in a non-conservative amino acid change in the encoded protein sequence. Four of five in-silico tools predict a damaging effect of the variant on protein function. The variant allele was found at a frequency of 4.6e-06 in 218066 control chromosomes. The available data on variant occurrences in the general population are insufficient to allow any conclusion about variant significance. c.886G>T has been observed in individual(s) affected with Hereditary Breast, Ovarian Cancer, Prostate cancer and Biliary tract cancer, without strong evidence for causality (Park_2018, Momozawa_2018, Bandeira_2021, So_2022, Okawa_2023, Dorling_2021). These report(s) do not provide unequivocal conclusions about association of the variant with Hereditary Breast And Ovarian Cancer Syndrome. To our knowledge, no experimental evidence demonstrating an impact on protein function has been reported. The following publications have been ascertained in the context of this evaluation (PMID: 32986223, 33471991, 30287823, 36243179, 29338689, 35534218). ClinVar contains an entry for this variant (Variation ID: 232099). Based on the evidence outlined above, the variant was classified as uncertain significance.

Ambry Genetics
Classification: Uncertain significance for Hereditary cancer-predisposing syndrome. Last evaluated: 2025-04-08. Review status: criteria provided, single submitter. Criteria: Ambry Variant Classification Scheme 2023. Collection method: clinical testing. Allele origin: germline.
Comment: The p.D296Y variant (also known as c.886G>T), located in coding exon 7 of the CHEK2 gene, results from a G to T substitution at nucleotide position 886. The aspartic acid at codon 296 is replaced by tyrosine, an amino acid with highly dissimilar properties. RNA studies have demonstrated that this alteration results in an incomplete splice defect; the clinical impact of this abnormal splicing is unknown at this time (Ambry internal data; Sanoguera-Miralles L et al. J Pathol . 2024 Apr;262(4):395-409). This alteration was detected in a cohort of 105 Brazilian women with breast and/or ovarian cancer (Bandeira G et al. Breast Cancer, 2021 Mar;28:346-354), and detected in 1/1197 patients with breast cancer who underwent genetic testing (Abdel-Razeq H et al. Front Oncol, 2022 Mar;12:673094). This alteration was observed with an allele frequency of 0.00142 in 7,051 unselected female breast cancer patients and was also observed with an allele frequency of 0.00044 in 11,241 female controls of Japanese ancestry (Momozawa Y et al. Nat Commun. 2018 10;9:4083). This alteration has been reported with a carrier frequency of 0.00144 in 7,636 unselected prostate cancer patients and 0.00073 in 12,366 male controls of Japanese ancestry (Momozawa Y et al. J Natl Cancer Inst, 2020 04;112:369-376). This variant was also reported in 4/60,466 breast cancer cases and in 1/53,461 controls (Dorling et al. N Engl J Med. 2021 02;384:428-439). In a study assessing CHEK2-complementation, this alteration was functionally impaired through quantification of KAP1 phosphorylation but functional through CHK2 autophosphorylation in human RPE1-CHEK2-knockout cells (Stolarova L et al. Clin Cancer Res, 2023 Aug;29:3037-3050). This amino acid position is highly conserved in available vertebrate species. In addition, this alteration is predicted to be deleterious by in silico analysis. Based on the available evidence, the clinical significance of this variant remains unclear.

KCCC/NGS Laboratory, Kuwait Cancer Control Center
Classification: Uncertain significance for CHEK2-related cancer predisposition. Last evaluated: 2024-11-03. Review status: criteria provided, single submitter. Criteria: ACMG Guidelines, 2015. Collection method: clinical testing. Allele origin: germline. Inheritance: Autosomal dominant inheritance. Affected: yes. Observed: 1 heterozygote.
Comment: This sequence change replaces aspartic acid, which is acidic and polar, with tyrosine, which is neutral and polar, at codon 296 of the CHEK2 protein (p.Asp296Tyr). This amino acid position is highly conserved (PhyloP=5.69). The frequency data for this variant in the population databases is considered unreliable, as metrics indicate poor data quality at this position in the gnomAD database. This missense change has been observed in individual(s) with CHEK2-related conditions as well as unaffected individuals (PMID: 30287823, 32986223, 35534218, 36243179). This variant is also known as c.1015G>T. ClinVar contains an entry for this variant (Variation ID: 232099). In addition, this alteration is predicted to be deleterious by in silico analysis. In summary, the available evidence is currently insufficient to determine the role of this variant in disease. Therefore, it has been classified as a Variant of Uncertain Significance. Pathogenic/likely pathogenic mutations in the CHEK2 gene cause susceptibility to breast cancer (OMIM# 114480).

Cancer Genomics Group, Japanese Foundation For Cancer Research
Classification: Uncertain significance for Hereditary breast and ovarian cancer syndrome. Last evaluated: 2019-05-01. Review status: criteria provided, single submitter. Criteria: ACMG Guidelines, 2015. Collection method: research. Allele origin: germline. Affected: yes.

Color Diagnostics, LLC DBA Color Health
Classification: Uncertain significance for Hereditary cancer-predisposing syndrome. Last evaluated: 2019-01-18. Review status: criteria provided, single submitter. Criteria: ACMG Guidelines, 2015. Collection method: clinical testing. Allele origin: germline.

GeneDx
Classification: Uncertain significance. Last evaluated: 2016-05-16. Review status: criteria provided, single submitter. Criteria: GeneDx Variant Classification (06012015). Collection method: clinical testing. Allele origin: germline. Affected: yes.
Comment: This variant is denoted CHEK2 c.886G>T at the cDNA level, p.Asp296Tyr (D296Y) at the protein level, and results in the change of an Aspartic Acid to a Tyrosine (GAT>TAT). This variant has not, to our knowledge, been published in the literature as pathogenic or benign. CHEK2 Asp296Tyr was not observed in approximately 6,500 individuals of European and African American ancestry in the NHLBI Exome Sequencing Project, suggesting it is not a common benign variant in these populations. Since Aspartic Acid and Tyrosine differ in polarity, charge, size or other properties, this is considered a non-conservative amino acid substitution. CHEK2 Asp296Tyr occurs at a position that is conserved across species and is located in the protein kinase domain (Roeb 2012, Desrichard 2011). In silico analyses predict that this variant is probably damaging to protein structure and function. Based on currently available evidence, it is unclear whether CHEK2 Asp296Tyr is a pathogenic or benign variant. We consider it to be a variant of uncertain significance.

Literature cited by the submitters: PubMed 30287823 (cited by 3 submitters); PubMed 32986223 (cited by 3 submitters); PubMed 35534218 (cited by Labcorp Genetics (formerly Invitae), Labcorp and Women's Health and Genetics/Laboratory Corporation of America, LabCorp); PubMed 36243179 (cited by Labcorp Genetics (formerly Invitae), Labcorp and Women's Health and Genetics/Laboratory Corporation of America, LabCorp); PubMed 38332730 (cited by Labcorp Genetics (formerly Invitae), Labcorp and Ambry Genetics); PubMed 29338689 (cited by Women's Health and Genetics/Laboratory Corporation of America, LabCorp); PubMed 33471991 (cited by Women's Health and Genetics/Laboratory Corporation of America, LabCorp and Ambry Genetics); PubMed 31214711 (cited by Ambry Genetics); PubMed 35402282 (cited by Ambry Genetics); PubMed 37449874 (cited by Ambry Genetics).

NM_007194.4(CHEK2):c.886G>T (p.Asp296Tyr)

Gene: CHEK2 (checkpoint kinase 2; minus strand). Cytogenetic location: 22q12.1.
Variant type: single nucleotide variant.
Coding change: c.886G>T on transcript NM_007194.4 (MANE Select); coding-DNA position 886, G replaced by T.
Protein change: p.Asp296Tyr; replaces aspartic acid 296 with tyrosine.
Molecular consequence: missense variant.
Genome position (GRCh38, 1-based): chr22:28,703,527, C>A on the plus strand (G>T on the coding strand, the complement: CHEK2 is on the minus strand). VCF-style: chr22-28703527-C-A. GRCh37 (hg19) VCF-style: chr22-29099515-C-A.
Other names: c.1015G>T, p.Asp339Tyr (NM_001005735.3); c.223G>T, p.Asp75Tyr (NM_001257387.3); c.685G>T, p.Asp229Tyr (NM_001349956.3); c.886G>T, p.Asp296Tyr (NM_145862.3); short protein forms D296Y, D229Y, D339Y, D75Y.
Identifiers: ClinVar variation 232099 (VCV000232099.24), dbSNP rs876659553, ClinGen allele CA10581067.